The following is an entry in ClinVar:

NM_000059.4(BRCA2):c.575T>C (p.Met192Thr)

Gene: BRCA2 (BRCA2 DNA repair associated; plus strand). Cytogenetic location: 13q13.1.
Variant type: single nucleotide variant.
Coding change: c.575T>C on transcript NM_000059.4 (MANE Select); coding-DNA position 575, T replaced by C.
Protein change: p.Met192Thr; replaces methionine 192 with threonine.
Molecular consequence: missense variant.
Genome position (GRCh38, 1-based): chr13:32,326,557, T>C. VCF-style: chr13-32326557-T-C. GRCh37 (hg19) VCF-style: chr13-32900694-T-C.
Other names: p.M192T:ATG>ACG; 803T>C; short protein forms M192T.
Identifiers: ClinVar variation 51930 (VCV000051930.42), dbSNP rs80358805, ClinGen allele CA023166.

ClinVar aggregate classification (germline): Conflicting classifications of pathogenicity. Review status: criteria provided, conflicting classifications (1 of 4 stars). 16 submissions from 16 submitters: Uncertain significance (7); Likely benign (3). 6 of the submissions do not count toward it. Last evaluated 2025-11-23.

Conditions:
Hereditary breast ovarian cancer syndrome. Also called: Hereditary breast and ovarian cancer syndrome; Hereditary breast and ovarian cancer; Hereditary breast and ovarian cancer syndrome (HBOC); Breast and ovarian cancer; Hereditary breast and/or ovarian cancer syndrome; BRCA1- and BRCA2-Associated Hereditary Breast and Ovarian Cancer. Identifiers: Orphanet 145, MedGen C0677776, MeSH D061325, MONDO:0003582. Disease mechanism: loss of function.
Familial cancer of breast. Also called: BREAST CANCER, FAMILIAL; Hereditary breast cancer; hereditary breast carcinoma. Identifiers: Orphanet 227535, MedGen C0346153, MONDO:0016419, OMIM 114480. Disease mechanism: loss of function.
Hereditary cancer-predisposing syndrome. Also called: Neoplastic Syndromes, Hereditary; Tumor predisposition; Hereditary neoplastic syndrome; Hereditary Cancer Syndrome. Identifiers: Orphanet 140162, MedGen C0027672, MeSH D009386, MONDO:0015356.
Breast-ovarian cancer, familial, susceptibility to, 2 (BROVCA2). Also called: BRCA2 Hereditary Breast and Ovarian Cancer. Identifiers: Orphanet 145, MedGen C2675520, MONDO:0012933, OMIM 612555. Disease mechanism: loss of function.

Allele frequency attached by ClinVar (database versions not stated): gnomAD exomes below 0.00001.

Submissions (16):

Labcorp Genetics (formerly Invitae), Labcorp
Classification: Likely benign for Hereditary breast ovarian cancer syndrome. Last evaluated: 2025-11-23. Review status: criteria provided, single submitter. Criteria: Invitae Variant Classification Sherloc (09022015). Collection method: clinical testing. Allele origin: germline.

Women's Health and Genetics/Laboratory Corporation of America, LabCorp
Classification: Uncertain significance. Last evaluated: 2025-11-04. Review status: criteria provided, single submitter. Criteria: LabCorp Variant Classification Summary - May 2015. Collection method: clinical testing. Allele origin: germline.
Comment: Variant summary: BRCA2 c.575T>C (p.Met192Thr) results in a non-conservative amino acid change in the encoded protein sequence. Algorithms developed to predict the effect of missense changes on protein structure and function are either unavailable or do not agree on the potential impact of this missense change. In a splicing minigene reporter assay, the variant was shown not to affect splicing (Di Giacomo_2013). The variant was absent in 251414 control chromosomes. The available data on variant occurrences in the general population are insufficient to allow any conclusion about variant significance. c.575T>C has been observed in individuals affected with pancreatic cancer or early onset breast cancer (Murphy_2002, Haffty_2009). These reports do not provide unequivocal conclusions about association of the variant with Hereditary Breast And Ovarian Cancer Syndrome. Co-occurrences with other pathogenic variants have been reported (BRCA1 c.2722G>T, p.Glu908*; BRCA2 c.7069_7070del, p.Leu2357Valfs*2), providing supporting evidence for a benign role. The following publications have been ascertained in the context of this evaluation (PMID: 37415649, 18403564, 23983145, 19064968, 19491284, 21702907, 20167696, 18657973, 30287823, 12097290, 26761715). ClinVar contains an entry for this variant (Variation ID: 51930). Based on the evidence outlined above, the variant was classified as VUS-possibly benign.

Color Diagnostics, LLC DBA Color Health
Classification: Likely benign for Hereditary cancer-predisposing syndrome. Last evaluated: 2025-09-04. Review status: criteria provided, single submitter. Criteria: ACMG Guidelines, 2015. Collection method: clinical testing. Allele origin: germline.

Center for Genomic Medicine, Rigshospitalet, Copenhagen University Hospital
Classification: Uncertain significance. Last evaluated: 2025-03-04. Review status: criteria provided, single submitter. Criteria: ACMG Guidelines, 2015. Collection method: clinical testing. Allele origin: germline.

Baylor Genetics
Classification: Uncertain significance for Familial cancer of breast. Last evaluated: 2024-03-08. Review status: criteria provided, single submitter. Criteria: ACMG Guidelines, 2015. Collection method: clinical testing. Allele origin: unknown.

Ambry Genetics
Classification: Uncertain significance for Hereditary cancer-predisposing syndrome. Last evaluated: 2023-12-20. Review status: criteria provided, single submitter. Criteria: Ambry Variant Classification Scheme 2023. Collection method: clinical testing. Allele origin: germline.
Comment: The p.M192T variant (also known as c.575T>C), located in coding exon 6 of the BRCA2 gene, results from a T to C substitution at nucleotide position 575. The methionine at codon 192 is replaced by threonine, an amino acid with similar properties. This alteration has been reported as a variant of uncertain significance in 1 of 31 cases of familial pancreatic cancer, where at least two of the affected persons were first-degree relatives (Murphy K et al, Cancer Res. 2002 Jul; 62(13):3789-9). This alteration has been reported with a carrier frequency of 0.0000 in 53 unselected male breast cancer patients and 0.0001 in 12,490 male controls of Japanese ancestry (Momozawa Y et al. Nat Commun, 2018 10;9:4083). This amino acid position is highly conserved in available vertebrate species. In addition, this alteration is predicted to be tolerated by in silico analysis. Since supporting evidence is limited at this time, the clinical significance of this alteration remains unclear.

All of Us Research Program, National Institutes of Health
Classification: Uncertain significance for Breast-ovarian cancer, familial, susceptibility to, 2. Last evaluated: 2023-02-22. Review status: criteria provided, single submitter. Criteria: ACMG Guidelines, 2015. Collection method: clinical testing. Allele origin: germline. Inheritance: Autosomal dominant inheritance. Observed: 1 variant allele, 1 heterozygote.
Comment: This missense variant replaces methionine with threonine at codon 192 of the BRCA2 protein. Computational prediction suggests that this variant may not impact protein structure and function (internally defined REVEL score threshold <= 0.5, PMID: 27666373). To our knowledge, functional studies have not been reported for this variant. This variant has been observed in an individual affected with breast cancer (PMID: 19491284) and an unaffected control from a breast cancer case-control study (PMID: 30287823). This variant also has been observed in an individual affected with familial pancreatic cancer (PMID: 12097290). This variant has not been identified in the general population by the Genome Aggregation Database (gnomAD). The available evidence is insufficient to determine the role of this variant in disease conclusively. Therefore, this variant is classified as a Variant of Uncertain Significance.

This study involves interpretation of variants in research participants for the purpose of population health screening. Participant phenotype was not available at the time of variant classification. Additional details can be found in publication PMID: 35346344, PMCID: PMC8962531

Department of Pathology and Laboratory Medicine, Sinai Health System
Classification: Uncertain significance for Familial cancer of breast; Breast-ovarian cancer, familial, susceptibility to, 2. Last evaluated: 2022-03-15. Review status: criteria provided, single submitter. Criteria: ACMG Guidelines, 2015. Collection method: clinical testing. Allele origin: germline. Affected: yes.

Quest Diagnostics Nichols Institute San Juan Capistrano
Classification: Uncertain significance. Last evaluated: 2019-08-22. Review status: criteria provided, single submitter. Criteria: Quest Diagnostics criteria. Collection method: clinical testing. Allele origin: germline.

GeneDx
Classification: Likely benign. Last evaluated: 2016-10-05. Review status: criteria provided, single submitter. Criteria: GeneDx Variant Classification (06012015). Collection method: clinical testing. Allele origin: germline. Affected: yes.
Comment: This variant is considered likely benign or benign based on one or more of the following criteria: it is a conservative change, it occurs at a poorly conserved position in the protein, it is predicted to be benign by multiple in silico algorithms, and/or has population frequency not consistent with disease.

Counsyl
Classification: Uncertain significance for Breast-ovarian cancer, familial, susceptibility to, 2. Last evaluated: 2015-12-18. Review status: no assertion criteria provided. Collection method: clinical testing. Allele origin: unknown. Not counted in ClinVar's aggregate classification.

Sharing Clinical Reports Project (SCRP)
Classification: Likely benign for Breast-ovarian cancer, familial 2. Last evaluated: 2012-05-01. Review status: no assertion criteria provided. Collection method: clinical testing. Allele origin: germline. Not counted in ClinVar's aggregate classification.

Breast Cancer Information Core (BIC) (BRCA2)
Classification: Uncertain significance for Breast-ovarian cancer, familial 2. Last evaluated: 2002-05-29. Review status: no assertion criteria provided. Collection method: clinical testing. Allele origin: germline. Affected: yes. Observed: 2 variant alleles. Not counted in ClinVar's aggregate classification.

Clinical Genetics DNA and cytogenetics Diagnostics Lab, Erasmus MC, Erasmus Medical Center
Classification: Uncertain significance. Review status: no assertion criteria provided. Collection method: clinical testing. Allele origin: germline. Affected: yes. Study: VKGL Data-share Consensus. Not counted in ClinVar's aggregate classification.

Diagnostic Laboratory, Department of Genetics, University Medical Center Groningen
Classification: Uncertain significance. Review status: no assertion criteria provided. Collection method: clinical testing. Allele origin: germline. Affected: yes. Study: VKGL Data-share Consensus. Not counted in ClinVar's aggregate classification.

Joint Genome Diagnostic Labs from Nijmegen and Maastricht, Radboudumc and MUMC+
Classification: Uncertain significance. Review status: no assertion criteria provided. Collection method: clinical testing. Allele origin: germline. Affected: yes. Study: VKGL Data-share Consensus. Not counted in ClinVar's aggregate classification.

Literature cited by the submitters: PubMed 12097290 (cited by 7 submitters); PubMed 21702907 (cited by 3 submitters); PubMed 19491284 (cited by 7 submitters); PubMed 20167696 (cited by Women's Health and Genetics/Laboratory Corporation of America, LabCorp); PubMed 18403564 (cited by Women's Health and Genetics/Laboratory Corporation of America, LabCorp); PubMed 23983145 (cited by 4 submitters); PubMed 19064968 (cited by Women's Health and Genetics/Laboratory Corporation of America, LabCorp and Quest Diagnostics Nichols Institute San Juan Capistrano); PubMed 18657973 (cited by Women's Health and Genetics/Laboratory Corporation of America, LabCorp and Quest Diagnostics Nichols Institute San Juan Capistrano); PubMed 26761715 (cited by Women's Health and Genetics/Laboratory Corporation of America, LabCorp); PubMed 30287823 (cited by 5 submitters); PubMed 37415649 (cited by Women's Health and Genetics/Laboratory Corporation of America, LabCorp); PubMed 15806175 (cited by Ambry Genetics and Quest Diagnostics Nichols Institute San Juan Capistrano); PubMed 30212499 (cited by Ambry Genetics).